The following is an entry in ClinVar:

NM_000297.4(PKD2):c.2093T>C (p.Met698Thr)

Gene: PKD2 (polycystin 2, transient receptor potential cation channel; plus strand). Cytogenetic location: 4q22.1.
Variant type: single nucleotide variant.
Coding change: c.2093T>C on transcript NM_000297.4 (MANE Select); coding-DNA position 2093, T replaced by C.
Protein change: p.Met698Thr; replaces methionine 698 with threonine.
Molecular consequence: missense variant. On other transcripts: non-coding transcript variant (1).
Genome position (GRCh38, 1-based): chr4:88,061,979, T>C. VCF-style: chr4-88061979-T-C. GRCh37 (hg19) VCF-style: chr4-88983131-T-C.
Other names: short protein forms M698T.
Identifiers: ClinVar variation 2078105 (VCV002078105.4), dbSNP rs1180777504, ClinGen allele CA357623783.

ClinVar aggregate classification (germline): Uncertain significance (1 of 4 stars; one submission).

Conditions:
Autosomal dominant polycystic kidney disease. Identifiers: Orphanet 730, MedGen C0085413, MONDO:0004691.

Allele frequency attached by ClinVar (database versions not stated): gnomAD exomes below 0.00001.
gnomAD v4.1: 1 of 1,554,548 alleles (0.000064%); highest among the groups gnomAD compares: Non-Finnish European, 0.000089%; no homozygotes.

Submission:

Labcorp Genetics (formerly Invitae), Labcorp
Classification: Uncertain significance for Autosomal dominant polycystic kidney disease. Last evaluated: 2022-03-18. Review status: criteria provided, single submitter. Criteria: Invitae Variant Classification Sherloc (09022015). Collection method: clinical testing. Allele origin: germline.
Comment: This variant is present in population databases (no rsID available, gnomAD 0.0009%). This variant has not been reported in the literature in individuals affected with PKD2-related conditions. Algorithms developed to predict the effect of missense changes on protein structure and function (SIFT, PolyPhen-2, Align-GVGD) all suggest that this variant is likely to be tolerated. In summary, the available evidence is currently insufficient to determine the role of this variant in disease. Therefore, it has been classified as a Variant of Uncertain Significance. This sequence change replaces methionine, which is neutral and non-polar, with threonine, which is neutral and polar, at codon 698 of the PKD2 protein (p.Met698Thr).